The following is an entry in ClinVar:

ClinVar aggregate classification (germline): Likely pathogenic (1 of 4 stars; one submission).

Conditions:
Aortic aneurysm, familial thoracic 7 (AAT7). Also called: AORTIC DISSECTION, FAMILIAL, WITH OR WITHOUT AORTIC ANEURYSM. Identifiers: MedGen C3151077, MONDO:0013418, OMIM 613780.

Allele frequency attached by ClinVar (database versions not stated): gnomAD 0.00002; TOPMed 0.00002; ESP Exome Variant Server 0.00008.
gnomAD v4.1: 3 of 1,612,264 alleles (0.00019%); highest among the groups gnomAD compares: African/African-American, 0.004%; no homozygotes.

Submission:

Labcorp Genetics (formerly Invitae), Labcorp
Classification: Likely pathogenic for Aortic aneurysm, familial thoracic 7. Last evaluated: 2024-07-26. Review status: criteria provided, single submitter. Criteria: Invitae Variant Classification Sherloc (09022015). Collection method: clinical testing. Allele origin: germline.
Comment: This sequence change affects a donor splice site in intron 19 of the MYLK gene. This variant occurs within the aortic-specific isoform of MYLK. Loss-of-function variants in the aortic-specific isoform of MYLK are known to be pathogenic for thoracic aortic dissections (PMID: 21055718). This variant is present in population databases (rs375931940, gnomAD 0.01%). This variant has not been reported in the literature in individuals affected with MYLK-related conditions. Algorithms developed to predict the effect of sequence changes on RNA splicing suggest that this variant may disrupt the consensus splice site. In summary, the currently available evidence indicates that the variant is pathogenic, but additional data are needed to prove that conclusively. Therefore, this variant has been classified as Likely Pathogenic.

Literature cited by the submitters: PubMed 21055718.

NM_053025.4(MYLK):c.3565+1G>C

Gene: MYLK (myosin light chain kinase; minus strand). Cytogenetic location: 3q21.1.
Variant type: single nucleotide variant.
Coding change: c.3565+1G>C on transcript NM_053025.4 (MANE Select); the canonical splice donor site of the intron after coding-DNA position 3565, G replaced by C.
Molecular consequence: splice donor variant.
Genome position (GRCh38, 1-based): chr3:123,692,734, C>G on the plus strand (G>C on the coding strand, the complement: MYLK is on the minus strand). VCF-style: chr3-123692734-C-G. GRCh37 (hg19) VCF-style: chr3-123411581-C-G.
Other names: c.3037+1G>C (NM_001321309.2); c.3358+1G>C (NM_053028.4, NM_053026.4); c.3565+1G>C (NM_053027.4).
Identifiers: ClinVar variation 3015802 (VCV003015802.3), dbSNP rs375931940, ClinGen allele CA82940390.